The following is an entry in ClinVar:

NM_001009944.3(PKD1):c.2023C>T (p.Leu675=)

Gene: PKD1 (polycystin 1, transient receptor potential channel interacting; minus strand). Cytogenetic location: 16p13.3.
Variant type: single nucleotide variant.
Coding change: c.2023C>T on transcript NM_001009944.3 (MANE Select); coding-DNA position 2023, C replaced by T.
Protein change: p.Leu675=; no amino-acid change (leucine 675 retained).
Molecular consequence: synonymous variant.
Genome position (GRCh38, 1-based): chr16:2,115,452, G>A on the plus strand (C>T on the coding strand, the complement: PKD1 is on the minus strand). VCF-style: chr16-2115452-G-A. GRCh37 (hg19) VCF-style: chr16-2165453-G-A.
Other names: c.2023C>T, p.Leu675= (NM_000296.4).
Identifiers: ClinVar variation 4985063 (VCV004985063.1).

ClinVar aggregate classification (germline): Likely benign (1 of 4 stars; one submission).

Conditions:
PKD1-related disorder. Also called: PKD1-related condition.

gnomAD v4.1: 37 of 1,599,144 alleles (0.0023%); highest among the groups gnomAD compares: East Asian, 0.077%; no homozygotes.

Submission:

PreventionGenetics, part of Exact Sciences
Classification: Likely benign for PKD1-related condition. Last evaluated: 2025-12-26. Review status: criteria provided, single submitter. Criteria: ACMG Guidelines, 2015. Collection method: clinical testing. Allele origin: germline.
Comment: This variant is classified as likely benign based on ACMG/AMP sequence variant interpretation guidelines (Richards et al. 2015 PMID: 25741868, with internal and published modifications).